The following is an entry in ClinVar:

ClinVar aggregate classification (germline): Uncertain significance (1 of 4 stars; one submission).

gnomAD v4.1: 6 of 1,600,684 alleles (0.00037%); highest among the groups gnomAD compares: Non-Finnish European, 0.00051%; no homozygotes.

Submission:

Labcorp Genetics (formerly Invitae), Labcorp
Classification: Uncertain significance. Last evaluated: 2025-12-25. Review status: criteria provided, single submitter. Criteria: Invitae Variant Classification Sherloc (09022015). Collection method: clinical testing. Allele origin: germline.
Comment: This sequence change replaces lysine, which is basic and polar, with arginine, which is basic and polar, at codon 943 of the CDK13 protein (p.Lys943Arg). This variant is not present in population databases (gnomAD no frequency). This variant has not been reported in the literature in individuals affected with CDK13-related conditions. Invitae Evidence Modeling of protein sequence and biophysical properties (such as structural, functional, and spatial information, amino acid conservation, physicochemical variation, residue mobility, and thermodynamic stability) has been performed for this missense variant. However, the output from this modeling did not meet the statistical confidence thresholds required to predict the impact of this variant on CDK13 protein function. In summary, the available evidence is currently insufficient to determine the role of this variant in disease. Therefore, it has been classified as a Variant of Uncertain Significance.

NM_003718.5(CDK13):c.2828A>G (p.Lys943Arg)

Gene: CDK13 (cyclin dependent kinase 13; plus strand). Cytogenetic location: 7p14.1.
Variant type: single nucleotide variant.
Coding change: c.2828A>G on transcript NM_003718.5 (MANE Select); coding-DNA position 2828, A replaced by G.
Protein change: p.Lys943Arg; replaces lysine 943 with arginine.
Molecular consequence: missense variant.
Genome position (GRCh38, 1-based): chr7:40,078,052, A>G. VCF-style: chr7-40078052-A-G. GRCh37 (hg19) VCF-style: chr7-40117651-A-G.
Other names: c.2828A>G, p.Lys943Arg (NM_031267.4); short protein forms K943R.
Identifiers: ClinVar variation 4809539 (VCV004809539.1).